The following is an entry in ClinVar:

NM_001195518.2(MICU1):c.900del (p.Gln300fs)

Gene: MICU1 (mitochondrial calcium uptake 1; minus strand). Cytogenetic location: 10q22.1.
Variant type: Deletion.
Coding change: c.900del on transcript NM_001195518.2 (MANE Select); coding-DNA position 900, one base deleted (G; older notation c.900delG).
Protein change: p.Gln300fs; shifts the reading frame from glutamine 300.
Molecular consequence: frameshift variant.
Genome position (GRCh38, 1-based): chr10:72,475,133, C deleted on the plus strand (G on the coding strand, the reverse complement: MICU1 is on the minus strand). VCF-style (leftmost placement, unchanged base first): chr10-72475132-GC-G. GRCh37 (hg19) VCF-style: chr10-74234890-GC-G.
Other names: c.306del, p.Gln102fs (NM_001195519.2); c.918del, p.Gln306fs (NM_001363513.2); c.906del, p.Gln302fs (NM_006077.4); short protein forms Q102fs, Q302fs, Q300fs, Q306fs.
Identifiers: ClinVar variation 1999537 (VCV001999537.4), dbSNP rs2495369415, ClinGen allele CA2580081901.
Genomic context (GRCh38, chr10:72,475,132, plus strand): 5'-GGATCTACTGAGTCTAAGGAAGACCTACCTCAAGCTTCAGAACATCATGCTGCAGTTTAC[GC>G]TGAAATTCGAGGAAGTTTTTGATTGTCAGCTTTCCCTTCAGATCAGCTCCAAAAAAGTAG-3'

ClinVar aggregate classification (germline): Pathogenic (1 of 4 stars; one submission).

Submission:

Labcorp Genetics (formerly Invitae), Labcorp
Classification: Pathogenic. Last evaluated: 2022-05-27. Review status: criteria provided, single submitter. Criteria: Invitae Variant Classification Sherloc (09022015). Collection method: clinical testing. Allele origin: germline.
Comment: This sequence change creates a premature translational stop signal (p.Gln302Hisfs*9) in the MICU1 gene. It is expected to result in an absent or disrupted protein product. Loss-of-function variants in MICU1 are known to be pathogenic (PMID: 24336167). This variant is not present in population databases (gnomAD no frequency). This variant has not been reported in the literature in individuals affected with MICU1-related conditions. For these reasons, this variant has been classified as Pathogenic.

Literature cited by the submitters: PubMed 24336167.